The following is an entry in ClinVar:

NM_004360.5(CDH1):c.46C>A (p.Gln16Lys)

Gene: CDH1 (cadherin 1; plus strand). Cytogenetic location: 16q22.1.
Variant type: single nucleotide variant.
Coding change: c.46C>A on transcript NM_004360.5 (MANE Select); coding-DNA position 46, C replaced by A.
Protein change: p.Gln16Lys; replaces glutamine 16 with lysine.
Molecular consequence: missense variant. On other transcripts: 5 prime UTR variant (2).
Genome position (GRCh38, 1-based): chr16:68,737,461, C>A. VCF-style: chr16-68737461-C-A. GRCh37 (hg19) VCF-style: chr16-68771364-C-A.
Other names: c.46C>A, p.Gln16Lys (NM_001317184.2); c.-1570C>A (NM_001317185.2); c.-1774C>A (NM_001317186.2); short protein forms Q16K.
Identifiers: ClinVar variation 1692799 (VCV001692799.2), dbSNP rs770244203, ClinGen allele CA396451417.
Genomic context (GRCh38, chr16:68,737,461, plus strand): 5'-CGTCCCCGGCCAGCCATGGGCCCTTGGAGCCGCAGCCTCTCGGCGCTGCTGCTGCTGCTG[C>A]AGGTACCCCGGATCCCCTGACTTGCGAGGGACGCATTCGGGCCGCAAGCTCCGCGCCCCA-3'
Protein context (NP_004351.1, residues 6-26): RSLSALLLLL[Gln16Lys]VSSWLCQEPE

ClinVar aggregate classification (germline): Conflicting classifications of pathogenicity. Review status: criteria provided, conflicting classifications (1 of 4 stars). 2 submissions from 2 submitters: Uncertain significance (1); Likely benign (1). Last evaluated 2024-12-24.

Conditions:
Hereditary cancer-predisposing syndrome. Also called: Hereditary neoplastic syndrome; Tumor predisposition; Neoplastic Syndromes, Hereditary; Hereditary Cancer Syndrome. Identifiers: Orphanet 140162, MedGen C0027672, MeSH D009386, MONDO:0015356.

Allele frequency attached by ClinVar (database versions not stated): TOPMed below 0.00001.

Submissions (2):

Ambry Genetics
Classification: Likely benign for Hereditary cancer-predisposing syndrome. Last evaluated: 2024-12-24. Review status: criteria provided, single submitter. Criteria: Ambry Variant Classification Scheme 2023. Collection method: clinical testing. Allele origin: germline.

Sema4
Classification: Uncertain significance for Hereditary cancer-predisposing syndrome. Last evaluated: 2021-09-09. Review status: criteria provided, single submitter. Criteria: Sema4 Curation Guidelines. Collection method: curation. Allele origin: germline.
Comment: The CDH1 c.46C>A (p.Q16K) variant has not been reported in the literature to our knowledge. It was not observed in the large and broad cohorts of the Genome Aggregation Database, nor has it been reported in ClinVar. Functional studies have not been performed, and in silico predictions of the variant's effect on protein function are inconclusive. The evidence is insufficient to meet ACMG/AMP criteria for classifying the variant as benign or pathogenic. Thus, the clinical significance of this variant is currently uncertain.